The following is an entry in ClinVar:

NM_014679.5(CEP57):c.152G>A (p.Arg51Gln)

Gene: CEP57 (centrosomal protein 57; plus strand). Cytogenetic location: 11q21.
Variant type: single nucleotide variant.
Coding change: c.152G>A on transcript NM_014679.5 (MANE Select); coding-DNA position 152, G replaced by A.
Protein change: p.Arg51Gln; replaces arginine 51 with glutamine.
Molecular consequence: missense variant.
Genome position (GRCh38, 1-based): chr11:95,799,338, G>A. VCF-style: chr11-95799338-G-A. GRCh37 (hg19) VCF-style: chr11-95532502-G-A.
Other names: c.125G>A, p.Arg42Gln (NM_001243776.2); c.152G>A, p.Arg51Gln (NM_001243777.2); c.71G>A, p.Arg24Gln (NM_001363604.2); c.152G>A (NM_014679.4); short protein forms R51Q, R42Q, R24Q.
Identifiers: ClinVar variation 1464947 (VCV001464947.10), dbSNP rs549840259, ClinGen allele CA226616856.

ClinVar aggregate classification (germline): Uncertain significance. Review status: criteria provided, multiple submitters, no conflicts (2 of 4 stars). 2 submissions from 2 submitters: Uncertain significance (2). Last evaluated 2025-01-05.

Conditions:
Mosaic variegated aneuploidy syndrome 2 (MVA2). Identifiers: Orphanet 1052, MedGen C3279843, MONDO:0013582, OMIM 614114.
Inborn genetic diseases. Identifiers: MedGen C0950123, MeSH D030342.

Allele frequency attached by ClinVar (database versions not stated): gnomAD 0.00001; gnomAD exomes 0.00001; TOPMed 0.00002.
gnomAD v4.1: 12 of 1,614,002 alleles (0.00074%); highest among the groups gnomAD compares: East Asian, 0.011%; no homozygotes.

Submissions (2):

Ambry Genetics
Classification: Uncertain significance for Inborn genetic diseases. Last evaluated: 2025-01-05. Review status: criteria provided, single submitter. Criteria: Ambry Variant Classification Scheme 2023. Collection method: clinical testing. Allele origin: germline.
Comment: The p.R51Q variant (also known as c.152G>A), located in coding exon 2 of the CEP57 gene, results from a G to A substitution at nucleotide position 152. The arginine at codon 51 is replaced by glutamine, an amino acid with highly similar properties. This amino acid position is conserved. In addition, this alteration is predicted to be tolerated by in silico analysis. Based on the available evidence, the clinical significance of this variant remains unclear.

Labcorp Genetics (formerly Invitae), Labcorp
Classification: Uncertain significance for Mosaic variegated aneuploidy syndrome 2. Last evaluated: 2024-07-27. Review status: criteria provided, single submitter. Criteria: Invitae Variant Classification Sherloc (09022015). Collection method: clinical testing. Allele origin: germline.
Comment: This sequence change replaces arginine, which is basic and polar, with glutamine, which is neutral and polar, at codon 51 of the CEP57 protein (p.Arg51Gln). The frequency data for this variant in the population databases is considered unreliable, as metrics indicate poor data quality at this position in the gnomAD database. This variant has not been reported in the literature in individuals affected with CEP57-related conditions. ClinVar contains an entry for this variant (Variation ID: 1464947). Advanced modeling of protein sequence and biophysical properties (such as structural, functional, and spatial information, amino acid conservation, physicochemical variation, residue mobility, and thermodynamic stability) performed at Invitae indicates that this missense variant is not expected to disrupt CEP57 protein function with a negative predictive value of 80%. In summary, the available evidence is currently insufficient to determine the role of this variant in disease. Therefore, it has been classified as a Variant of Uncertain Significance.